The following is an entry in ClinVar:

ClinVar aggregate classification (germline): Uncertain significance (1 of 4 stars; one submission).

Allele frequency attached by ClinVar (database versions not stated): gnomAD exomes 0.00001.
gnomAD v4.1: 15 of 1,614,080 alleles (0.00093%); highest among the groups gnomAD compares: Admixed American, 0.0017%; no homozygotes.

Submission:

Labcorp Genetics (formerly Invitae), Labcorp
Classification: Uncertain significance. Last evaluated: 2022-07-19. Review status: criteria provided, single submitter. Criteria: Invitae Variant Classification Sherloc (09022015). Collection method: clinical testing. Allele origin: germline.
Comment: ClinVar contains an entry for this variant (Variation ID: 1523533). This variant has not been reported in the literature in individuals affected with LRIT3-related conditions. This variant is present in population databases (no rsID available, gnomAD 0.003%). This sequence change replaces aspartic acid, which is acidic and polar, with glycine, which is neutral and non-polar, at codon 363 of the LRIT3 protein (p.Asp363Gly). Algorithms developed to predict the effect of missense changes on protein structure and function output the following: SIFT: "Tolerated"; PolyPhen-2: "Benign"; Align-GVGD: "Class C0". The glycine amino acid residue is found in multiple mammalian species, which suggests that this missense change does not adversely affect protein function. In summary, the available evidence is currently insufficient to determine the role of this variant in disease. Therefore, it has been classified as a Variant of Uncertain Significance. Algorithms developed to predict the effect of sequence changes on RNA splicing suggest that this variant may create or strengthen a splice site.

NM_198506.5(LRIT3):c.1088A>G (p.Asp363Gly)

Gene: LRIT3 (leucine rich repeat, Ig-like and transmembrane domains 3; plus strand). Cytogenetic location: 4q25.
Variant type: single nucleotide variant.
Coding change: c.1088A>G on transcript NM_198506.5 (MANE Select); coding-DNA position 1088, A replaced by G.
Protein change: p.Asp363Gly; replaces aspartic acid 363 with glycine.
Molecular consequence: missense variant.
Genome position (GRCh38, 1-based): chr4:109,869,837, A>G. VCF-style: chr4-109869837-A-G. GRCh37 (hg19) VCF-style: chr4-110790993-A-G.
Other names: short protein forms D363G.
Identifiers: ClinVar variation 1523533 (VCV001523533.6), dbSNP rs1454602708, ClinGen allele CA357870271.